The following is an entry in ClinVar:

NM_006047.6(RBM12):c.24A>G (p.Gln8=)

Genes: CPNE1 (copine 1; minus strand), RBM12 (RNA binding motif protein 12; minus strand). Cytogenetic location: 20q11.22.
Variant type: single nucleotide variant.
Coding change: c.24A>G on transcript NM_006047.6 (MANE Select); coding-DNA position 24, A replaced by G.
Protein change: p.Gln8=; no amino-acid change (glutamine 8 retained).
Molecular consequence: synonymous variant. On other transcripts: non-coding transcript variant (1), intron variant (5).
Genome position (GRCh38, 1-based): chr20:35,655,299, T>C on the plus strand (A>G on the coding strand, the complement: RBM12 is on the minus strand). VCF-style: chr20-35655299-T-C. GRCh37 (hg19) VCF-style: chr20-34243221-T-C.
Other names: c.24A>G, p.Gln8= (NM_001198838.2, NM_001198840.2, NM_152838.4); c.-1+9503A>G (NM_001198863.2, NM_152926.3); c.-1+9461A>G (NM_152925.3); c.-1+3631A>G (NM_152928.3, NM_152927.3).
Identifiers: ClinVar variation 4988919 (VCV004988919.1).

ClinVar aggregate classification (germline): Likely benign (1 of 4 stars; one submission).

Conditions:
RBM12-related disorder. Also called: RBM12-related condition.

gnomAD v4.1: 22 of 1,610,370 alleles (0.0014%); highest among the groups gnomAD compares: South Asian, 0.0055%; no homozygotes.

Submission:

PreventionGenetics, part of Exact Sciences
Classification: Likely benign for RBM12-related condition. Last evaluated: 2026-05-08. Review status: criteria provided, single submitter. Criteria: ACMG Guidelines, 2015. Collection method: clinical testing. Allele origin: germline.
Comment: This variant is classified as likely benign based on ACMG/AMP sequence variant interpretation guidelines (Richards et al. 2015 PMID: 25741868, with internal and published modifications).